The following is an entry in ClinVar:

ClinVar aggregate classification (germline): Likely pathogenic. Review status: reviewed by expert panel (3 of 4 stars). 2 submissions from 2 submitters: Likely pathogenic (1). 1 of the submissions does not count toward it. Last evaluated 2026-10-15.

Conditions:
Acute myeloid leukemia (AML). Also called: Leukemia, acute myeloid, somatic; Leukemia, acute myelogenous, somatic; Acute myeloid leukemia, adult; AML adult; Acute non-lymphocytic leukemia; Acute granulocytic leukemia. Identifiers: Orphanet 519, MedGen C0023467, MeSH D015470, MONDO:0018874, OMIM 601626, HP:0004808. Disease mechanism: Constitutively activated FLT3.
Hereditary thrombocytopenia and hematologic cancer predisposition syndrome. Identifiers: Orphanet 71290, MedGen CN281654, MONDO:0011071.

Submissions (2):

ClinGen Myeloid Malignancy Variant Curation Expert Panel
Classification: Likely pathogenic for Hereditary thrombocytopenia and hematologic cancer predisposition syndrome. Last evaluated: 2026-10-15. Review status: reviewed by expert panel. Criteria: ClinGen MyeloMalig ACMG Specifications V3.1. Collection method: curation. Allele origin: germline. Inheritance: Autosomal dominant inheritance.
Comment: NM_001754.5(RUNX1):c.1219_1221delinsGGGATCGTTCGGA (p.Tyr407fs) is a frameshift variant which is not predicted to undergo NMD (PVS1_Strong). This variant is downstream of c.98 (PM5_Supporting) and is completely absent from all population databases with at least 20x coverage for RUNX1 (PM2_Supporting). In summary, this variant meets criteria to be classified as likely pathogenic. ACMG/AMP criteria applied, as specified by the ClinGen Myeloid Malignancy Variant Curation Expert Panel for RUNX1: PVS1_Strong, PM5_Supporting, PM2_Supporting.

Johns Hopkins Genomics, Johns Hopkins University
Classification: Likely pathogenic for Acute myeloid leukemia. Last evaluated: 2021-04-02. Review status: criteria provided, single submitter. Criteria: ACMG Guidelines, 2015. Collection method: clinical testing. Allele origin: germline. Not counted in ClinVar's aggregate classification.

Literature cited by the submitters: PubMed 31648317 (cited by Johns Hopkins Genomics, Johns Hopkins University).

NM_001754.5(RUNX1):c.1219_1221delinsGGGATCGTTCGGA (p.Tyr407fs)

Gene: RUNX1 (RUNX family transcription factor 1; minus strand). Cytogenetic location: 21q22.12.
Variant type: Indel.
Coding change: c.1219_1221delinsGGGATCGTTCGGA on transcript NM_001754.5 (MANE Select); coding-DNA positions 1219 to 1221, TAC replaced by GGGATCGTTCGGA.
Protein change: p.Tyr407fs; shifts the reading frame from tyrosine 407.
Molecular consequence: frameshift variant.
Genome position (GRCh38, 1-based): chr21:34,792,357-34,792,359, GTA replaced by TCCGAACGATCCC on the plus strand (TAC replaced by GGGATCGTTCGGA on the coding strand, the reverse complement: RUNX1 is on the minus strand). VCF-style: chr21-34792357-GTA-TCCGAACGATCCC. GRCh37 (hg19) VCF-style: chr21-36164654-GTA-TCCGAACGATCCC.
Other names: NM_001754.5(RUNX1):c.1219_1221delinsGGGATCGTTCGGA; p.Tyr407fs; c.1219_1221delTACinsGGGATCGTTCGGA (NM_001754.5); c.1138_1140delinsGGGATCGTTCGGA, p.Tyr380fs (NM_001001890.3); short protein forms Y380fs, Y407fs.
Identifiers: ClinVar variation 1065583 (VCV001065583.3), dbSNP rs2145875208, ClinGen allele CA2499225871.
Genomic context (GRCh38, chr21:34,792,357, plus strand): 5'-GCGCGGCGGCGAGCGCTCGCCGCCCACCATGGAGAACTGGTAGGAGCCGGCCGAGGCGCC[GTA>TCCGAACGATCCC]GTACAGGTGGTAGGAGGGCGAGCTGGCTTGGAACGGGCCTCCCTGCGCTTGCGACGAGCC-3'